The following is an entry in ClinVar:

ClinVar aggregate classification (germline): Uncertain significance (1 of 4 stars; one submission).

Conditions:
3-methylglutaconic aciduria type 1 (MGCA1). Identifiers: Orphanet 67046, MedGen C0342727, MONDO:0009610, OMIM 250950.

Allele frequency attached by ClinVar (database versions not stated): TOPMed 0.00001; gnomAD 0.00002.
gnomAD v4.1: 11 of 1,547,978 alleles (0.00071%); highest among the groups gnomAD compares: Middle Eastern, 0.017%; no homozygotes.

Submission:

Labcorp Genetics (formerly Invitae), Labcorp
Classification: Uncertain significance for 3-methylglutaconic aciduria type 1. Last evaluated: 2022-07-13. Review status: criteria provided, single submitter. Criteria: Invitae Variant Classification Sherloc (09022015). Collection method: clinical testing. Allele origin: germline.
Comment: In summary, the available evidence is currently insufficient to determine the role of this variant in disease. Therefore, it has been classified as a Variant of Uncertain Significance. Algorithms developed to predict the effect of missense changes on protein structure and function (SIFT, PolyPhen-2, Align-GVGD) all suggest that this variant is likely to be tolerated. This variant has not been reported in the literature in individuals affected with AUH-related conditions. This variant is present in population databases (no rsID available, gnomAD 0.03%). This sequence change replaces glutamine, which is neutral and polar, with histidine, which is basic and polar, at codon 52 of the AUH protein (p.Gln52His).

NM_001698.3(AUH):c.156G>C (p.Gln52His)

Genes: AUH (AU RNA binding methylglutaconyl-CoA hydratase; minus strand), LOC130002059 (ATAC-STARR-seq lymphoblastoid silent region 20025; plus strand). Cytogenetic location: 9q22.31.
Variant type: single nucleotide variant.
Coding change: c.156G>C on transcript NM_001698.3 (MANE Select); coding-DNA position 156, G replaced by C.
Protein change: p.Gln52His; replaces glutamine 52 with histidine.
Molecular consequence: missense variant. On other transcripts: 5 prime UTR variant (3).
Genome position (GRCh38, 1-based): chr9:91,361,734, C>G on the plus strand (G>C on the coding strand, the complement: AUH is on the minus strand). VCF-style: chr9-91361734-C-G. GRCh37 (hg19) VCF-style: chr9-94124016-C-G.
Other names: c.156G>C, p.Gln52His (NM_001306190.2); c.-242G>C (NM_001351431.2, NM_001351433.2); c.-334G>C (NM_001351432.2); short protein forms Q52H.
Identifiers: ClinVar variation 2166341 (VCV002166341.2), dbSNP rs772562641, ClinGen allele CA373836394.